The following is an entry in ClinVar:

NM_004615.4(TSPAN7):c.271-1G>T

Gene: TSPAN7 (tetraspanin 7; plus strand). Cytogenetic location: Xp11.4.
Variant type: single nucleotide variant.
Coding change: c.271-1G>T on transcript NM_004615.4 (MANE Select); the canonical splice acceptor site of the intron before coding-DNA position 271, G replaced by T.
Molecular consequence: splice acceptor variant.
Genome position (GRCh38, 1-based): chrX:38,671,375, G>T. VCF-style: chrX-38671375-G-T. GRCh37 (hg19) VCF-style: chrX-38530629-G-T.
Other names: NC_000023.10:g.38530629G>T.
Identifiers: ClinVar variation 3767244 (VCV003767244.3).

ClinVar aggregate classification (germline): Likely pathogenic (1 of 4 stars; one submission).

Conditions:
Intellectual developmental disorder, X-linked 58. Also called: Intellectual disability, X-linked 58. Identifiers: Orphanet 777, MedGen C1846174, MONDO:0010266, OMIM 300210.

Submissions (3):

Kasturba Medical College, Manipal, Kasturba Medical College, Manipal, Manipal Academy of Higher Education, Manipal, India
Classification: Likely pathogenic for Intellectual developmental disorder, X-linked 58. Review status: criteria provided, single submitter. Criteria: ACMG Guidelines, 2015. Collection method: research. Allele origin: maternal. Inheritance: X-linked recessive inheritance. Affected: yes. Observed: 1 hemizygote.
Comment: This variant is absent in population database gnomAD (v4.1.0) and in-house database of 3527 exomes. This canonical splice-site variant is predicted to cause aberrant splicing which is likely to lead to either the formation of a truncated protein product or the transcript to undergo nonsense mediated mRNA decay.

Dr. Peter K. Rogan Lab, Western University
No classification provided (evidence only). Condition: Lung cancer. Review status: no classification provided. Collection method: in vitro. Allele origin: not applicable. Functional consequence: skipped exon. Not counted in ClinVar's aggregate classification.

Dr. Peter K. Rogan Lab, Western University
No classification provided (evidence only). Condition: Thyroid cancer, nonmedullary, 1. Review status: no classification provided. Collection method: in vitro. Allele origin: not applicable. Functional consequence: retained intron. Not counted in ClinVar's aggregate classification.